The following is an entry in ClinVar:

NM_001844.5(COL2A1):c.3756C>A (p.Asp1252Glu)

Gene: COL2A1 (collagen type II alpha 1 chain; minus strand). Cytogenetic location: 12q13.11.
Variant type: single nucleotide variant.
Coding change: c.3756C>A on transcript NM_001844.5 (MANE Select); coding-DNA position 3756, C replaced by A.
Protein change: p.Asp1252Glu; replaces aspartic acid 1252 with glutamic acid.
Molecular consequence: missense variant.
Genome position (GRCh38, 1-based): chr12:47,975,447, G>T on the plus strand (C>A on the coding strand, the complement: COL2A1 is on the minus strand). VCF-style: chr12-47975447-G-T. GRCh37 (hg19) VCF-style: chr12-48369230-G-T.
Other names: c.3549C>A, p.Asp1183Glu (NM_033150.3); c.3756C>A (NM_001844.4); short protein forms D1183E, D1252E.
Identifiers: ClinVar variation 1053804 (VCV001053804.11), dbSNP rs377079894, ClinGen allele CA384536760.

ClinVar aggregate classification (germline): Conflicting classifications of pathogenicity. Review status: criteria provided, conflicting classifications (1 of 4 stars). 4 submissions from 4 submitters: Uncertain significance (3); Likely benign (1). Last evaluated 2025-11-20.

Conditions:
COL2A1-related disorder. Also called: COL2A1-related condition; COL2A1-related disorders.
Inborn genetic diseases. Identifiers: MedGen C0950123, MeSH D030342.

gnomAD v4.1: 11 of 1,613,978 alleles (0.00068%); highest among the groups gnomAD compares: African/African-American, 0.0013%; no homozygotes.

Submissions (4):

Ambry Genetics
Classification: Uncertain significance for Inborn genetic diseases. Last evaluated: 2025-11-20. Review status: criteria provided, single submitter. Criteria: Ambry Variant Classification Scheme 2023. Collection method: clinical testing. Allele origin: germline.

Labcorp Genetics (formerly Invitae), Labcorp
Classification: Likely benign. Last evaluated: 2024-10-09. Review status: criteria provided, single submitter. Criteria: Invitae Variant Classification Sherloc (09022015). Collection method: clinical testing. Allele origin: germline.

PreventionGenetics, part of Exact Sciences
Classification: Uncertain significance for COL2A1-related condition. Last evaluated: 2023-08-12. Review status: criteria provided, single submitter. Criteria: ACMG Guidelines, 2015. Collection method: clinical testing. Allele origin: germline.
Comment: The COL2A1 c.3756C>A variant is predicted to result in the amino acid substitution p.Asp1252Glu. To our knowledge, this variant has not been reported in the literature. This variant is reported in 0.0015% of alleles in individuals of European (Non-Finnish) descent in gnomAD. At this time, the clinical significance of this variant is uncertain due to the absence of conclusive functional and genetic evidence.

Breakthrough Genomics
Classification: Uncertain significance. Review status: criteria provided, single submitter. Criteria: ACMG Guidelines, 2015. Collection method: not provided. Allele origin: germline. Inheritance: Autosomal dominant inheritance. Affected: yes.